The following is an entry in ClinVar:

ClinVar aggregate classification (germline): Uncertain significance (1 of 4 stars; one submission).

Submission:

Ambry Genetics
Classification: Uncertain significance. Last evaluated: 2022-04-19. Review status: criteria provided, single submitter. Criteria: Ambry Variant Classification Scheme 2023. Collection method: clinical testing. Allele origin: germline.
Comment: The p.E775V variant (also known as c.2324A>T), located in coding exon 21 of the PRKDC gene, results from an A to T substitution at nucleotide position 2324. The glutamic acid at codon 775 is replaced by valine, an amino acid with dissimilar properties. This amino acid position is conserved. In addition, this alteration is predicted to be tolerated by in silico analysis. Since supporting evidence is limited at this time, the clinical significance of this alteration remains unclear.

NM_006904.7(PRKDC):c.2324A>T (p.Glu775Val)

Gene: PRKDC (protein kinase, DNA-activated, catalytic subunit; minus strand). Cytogenetic location: 8q11.21.
Variant type: single nucleotide variant.
Coding change: c.2324A>T on transcript NM_006904.7 (MANE Select); coding-DNA position 2324, A replaced by T.
Protein change: p.Glu775Val; replaces glutamic acid 775 with valine.
Molecular consequence: missense variant.
Genome position (GRCh38, 1-based): chr8:47,927,289, T>A on the plus strand (A>T on the coding strand, the complement: PRKDC is on the minus strand). VCF-style: chr8-47927289-T-A. GRCh37 (hg19) VCF-style: chr8-48839849-T-A.
Other names: c.2324A>T, p.Glu775Val (NM_001081640.2); short protein forms E775V.
Identifiers: ClinVar variation 1789621 (VCV001789621.2), dbSNP rs2551878142, ClinGen allele CA371161916.
Genomic context (GRCh38, chr8:47,927,289, plus strand): 5'-CAGGGGAGAATGTCTTTGTAATAAGGCTGCATTACATGTCTGTCAATATAAATTGACCAT[T>A]CTTCTAGAGCATTCAGGCCTACTTCTGCCAAGGGGGTATAGCTCAGGCCCAGTTTGAAAG-3'
Protein context (NP_008835.5, residues 765-785): LAEVGLNALE[Glu775Val]WSIYIDRHVM